The following is an entry in ClinVar:

ClinVar aggregate classification (germline): Uncertain significance. Review status: criteria provided, multiple submitters, no conflicts (2 of 4 stars). 2 submissions from 2 submitters: Uncertain significance (2). Last evaluated 2025-04-11.

Conditions:
Inborn genetic diseases. Identifiers: MedGen C0950123, MeSH D030342.

Allele frequency attached by ClinVar (database versions not stated): gnomAD 0.00001; gnomAD exomes 0.00001.
gnomAD v4.1: 10 of 1,572,806 alleles (0.00064%); highest among the groups gnomAD compares: Middle Eastern, 0.017%; no homozygotes.

Submissions (2):

Ambry Genetics
Classification: Uncertain significance for Inborn genetic diseases. Last evaluated: 2025-04-11. Review status: criteria provided, single submitter. Criteria: Ambry Variant Classification Scheme 2023. Collection method: clinical testing. Allele origin: germline.

Labcorp Genetics (formerly Invitae), Labcorp
Classification: Uncertain significance. Last evaluated: 2022-01-11. Review status: criteria provided, single submitter. Criteria: Invitae Variant Classification Sherloc (09022015). Collection method: clinical testing. Allele origin: germline.
Comment: This variant is not present in population databases (gnomAD no frequency). This sequence change replaces aspartic acid, which is acidic and polar, with histidine, which is basic and polar, at codon 1193 of the MPDZ protein (p.Asp1193His). This variant has not been reported in the literature in individuals affected with MPDZ-related conditions. Algorithms developed to predict the effect of missense changes on protein structure and function (SIFT, PolyPhen-2, Align-GVGD) all suggest that this variant is likely to be disruptive. In summary, the available evidence is currently insufficient to determine the role of this variant in disease. Therefore, it has been classified as a Variant of Uncertain Significance.

NM_001378778.1(MPDZ):c.3577G>C (p.Asp1193His)

Gene: MPDZ (multiple PDZ domain crumbs cell polarity complex component; minus strand). Cytogenetic location: 9p23.
Variant type: single nucleotide variant.
Coding change: c.3577G>C on transcript NM_001378778.1 (MANE Select); coding-DNA position 3577, G replaced by C.
Protein change: p.Asp1193His; replaces aspartic acid 1193 with histidine.
Molecular consequence: missense variant.
Genome position (GRCh38, 1-based): chr9:13,150,564, C>G on the plus strand (G>C on the coding strand, the complement: MPDZ is on the minus strand). VCF-style: chr9-13150564-C-G. GRCh37 (hg19) VCF-style: chr9-13150563-C-G.
Other names: c.3577G>C, p.Asp1193His (NM_001261406.2, NM_001261407.2, NM_001330637.2 and 13 more transcripts); c.3379G>C, p.Asp1127His (NM_001375427.1); c.3577G>C (NM_003829.3); short protein forms D1193H, D1127H.
Identifiers: ClinVar variation 1920868 (VCV001920868.6), dbSNP rs1371079620, ClinGen allele CA372950977.
Genomic context (GRCh38, chr9:13,150,564, plus strand): 5'-AGGGTACCTCTACGATTCTATCTCCAGGTTTCAAGGTTCCATTTTTGCCAGCTGGACTAT[C>G]TTCCAGAACATGTTTGATGAAAATGCCCCTCATCACTTCTCCATTGCTTAGCCGACTCCC-3'
Protein context (NP_001365707.1, residues 1183-1203): RGIFIKHVLE[Asp1193His]SPAGKNGTLK